The following is an entry in ClinVar:

NM_004360.5(CDH1):c.821G>A (p.Gly274Asp)

Gene: CDH1 (cadherin 1; plus strand). Cytogenetic location: 16q22.1.
Variant type: single nucleotide variant.
Coding change: c.821G>A on transcript NM_004360.5 (MANE Select); coding-DNA position 821, G replaced by A.
Protein change: p.Gly274Asp; replaces glycine 274 with aspartic acid.
Molecular consequence: missense variant. On other transcripts: 5 prime UTR variant (2).
Genome position (GRCh38, 1-based): chr16:68,810,330, G>A. VCF-style: chr16-68810330-G-A. GRCh37 (hg19) VCF-style: chr16-68844233-G-A.
Other names: c.821G>A, p.Gly274Asp (NM_001317184.2); c.-795G>A (NM_001317185.2); c.-999G>A (NM_001317186.2); c.821G>A (LRG_301t1); short protein forms G274D.
Identifiers: ClinVar variation 234120 (VCV000234120.7), dbSNP rs876660861, ClinGen allele CA10580093.

ClinVar aggregate classification (germline): Uncertain significance. Review status: criteria provided, multiple submitters, no conflicts (2 of 4 stars). 2 submissions from 2 submitters: Uncertain significance (2). Last evaluated 2024-11-24.

Conditions:
Hereditary cancer-predisposing syndrome. Also called: Tumor predisposition; Hereditary Cancer Syndrome; Hereditary neoplastic syndrome; Neoplastic Syndromes, Hereditary. Identifiers: Orphanet 140162, MedGen C0027672, MeSH D009386, MONDO:0015356.
Hereditary diffuse gastric adenocarcinoma (HDGC). Also called: DIFFUSE GASTRIC AND LOBULAR BREAST CANCER SYNDROME. Identifiers: Orphanet 26106, MedGen C1708349, MONDO:0007648, OMIM 137215.

Submissions (2):

Labcorp Genetics (formerly Invitae), Labcorp
Classification: Uncertain significance for Hereditary diffuse gastric adenocarcinoma. Last evaluated: 2024-11-24. Review status: criteria provided, single submitter. Criteria: Invitae Variant Classification Sherloc (09022015). Collection method: clinical testing. Allele origin: germline.
Comment: This sequence change replaces glycine, which is neutral and non-polar, with aspartic acid, which is acidic and polar, at codon 274 of the CDH1 protein (p.Gly274Asp). This variant is not present in population databases (gnomAD no frequency). This variant has not been reported in the literature in individuals affected with CDH1-related conditions. ClinVar contains an entry for this variant (Variation ID: 234120). An algorithm developed to predict the effect of missense changes on protein structure and function (PolyPhen-2) suggests that this variant is likely to be disruptive. In summary, the available evidence is currently insufficient to determine the role of this variant in disease. Therefore, it has been classified as a Variant of Uncertain Significance.

Ambry Genetics
Classification: Uncertain significance for Hereditary cancer-predisposing syndrome. Last evaluated: 2015-09-16. Review status: criteria provided, single submitter. Criteria: Ambry Variant Classification Scheme 2023. Collection method: clinical testing. Allele origin: germline.
Comment: The p.G274D variant (also known as c.821G>A), located in coding exon 6 of the CDH1 gene, results from a G to A substitution at nucleotide position 821. The glycine at codon 274 is replaced by aspartic acid, an amino acid with similar properties. This amino acid position is well conserved in available vertebrate species. In addition, this alteration is predicted to be tolerated by in silico analysis. Since supporting evidence is limited at this time, the clinical significance of this alteration remains unclear.